The following is an entry in ClinVar:

NM_130384.3(ATRIP):c.2012C>A (p.Pro671His)

Genes: ATRIP (ATR interacting protein; plus strand), ATRIP-TREX1 (ATRIP-TREX1 readthrough; plus strand). Cytogenetic location: 3p21.31.
Variant type: single nucleotide variant.
Coding change: c.2012C>A on transcript NM_130384.3 (MANE Select); coding-DNA position 2012, C replaced by A.
Protein change: p.Pro671His; replaces proline 671 with histidine.
Molecular consequence: missense variant. On other transcripts: non-coding transcript variant (1), intron variant (1).
Genome position (GRCh38, 1-based): chr3:48,464,619, C>A. VCF-style: chr3-48464619-C-A. GRCh37 (hg19) VCF-style: chr3-48506018-C-A.
Other names: c.1631C>A, p.Pro544His (NM_001271022.2); c.1733C>A, p.Pro578His (NM_001271023.2); c.1975-212C>A (NM_032166.4); short protein forms P544H, P578H, P671H.
Identifiers: ClinVar variation 4867204 (VCV004867204.1).

ClinVar aggregate classification (germline): Uncertain significance (1 of 4 stars; one submission).

gnomAD v4.1: 1 of 1,614,054 alleles (0.000062%); highest among the groups gnomAD compares: Admixed American, 0.0017%; no homozygotes.

Submission:

Ambry Genetics
Classification: Uncertain significance. Last evaluated: 2026-04-02. Review status: criteria provided, single submitter. Criteria: Ambry Variant Classification Scheme 2023. Collection method: clinical testing. Allele origin: germline.
Comment: The p.P671H variant (also known as c.2012C>A), located in coding exon 11 of the ATRIP gene, results from a C to A substitution at nucleotide position 2012. The proline at codon 671 is replaced by histidine, an amino acid with similar properties. This amino acid position is conserved. In addition, this alteration is predicted to be tolerated by in silico analysis. Based on the available evidence, the clinical significance of this variant remains unclear.